The following is an entry in ClinVar:

NM_000238.4(KCNH2):c.2765G>C (p.Arg922Pro)

Gene: KCNH2 (potassium voltage-gated channel subfamily H member 2; minus strand). Cytogenetic location: 7q36.1.
Variant type: single nucleotide variant.
Coding change: c.2765G>C on transcript NM_000238.4 (MANE Select); coding-DNA position 2765, G replaced by C.
Protein change: p.Arg922Pro; replaces arginine 922 with proline.
Molecular consequence: missense variant.
Genome position (GRCh38, 1-based): chr7:150,947,806, C>G on the plus strand (G>C on the coding strand, the complement: KCNH2 is on the minus strand). VCF-style: chr7-150947806-C-G. GRCh37 (hg19) VCF-style: chr7-150644894-C-G.
Other names: c.2477G>C, p.Arg826Pro (NM_001406753.1); c.1745G>C, p.Arg582Pro (NM_172057.3); short protein forms R826P, R922P, R582P.
Identifiers: ClinVar variation 1958545 (VCV001958545.6), dbSNP rs199473439, ClinGen allele CA369853439.

ClinVar aggregate classification (germline): Uncertain significance. Review status: criteria provided, multiple submitters, no conflicts (2 of 4 stars). 2 submissions from 2 submitters: Uncertain significance (2). Last evaluated 2025-07-09.

Conditions:
Cardiac arrhythmia. Also called: Arrhythmia; Cardiac rhythm disease. Identifiers: MedGen C0003811, MONDO:0007263, HP:0011675.
Long QT syndrome (LQTS). Identifiers: MedGen C0023976, MeSH D008133, MONDO:0002442. Disease mechanism: loss of function. Inheritance: Various modes of inheritance.

gnomAD v4.1: 2 of 1,530,800 alleles (0.00013%); highest among the groups gnomAD compares: Non-Finnish European, 0.00017%; no homozygotes.

Submissions (2):

Color Diagnostics, LLC DBA Color Health
Classification: Uncertain significance for Cardiac arrhythmia. Last evaluated: 2025-07-09. Review status: criteria provided, single submitter. Criteria: ACMG Guidelines, 2015. Collection method: clinical testing. Allele origin: germline.
Comment: This missense variant replaces arginine with proline at codon 922 of the KCNH2 protein. Computational prediction is inconclusive regarding the impact of this variant on protein structure and function. To our knowledge, functional studies have not been reported for this variant. This variant has not been reported in individuals affected with KCNH2-related disorders in the literature. This variant has not been identified in the general population by the Genome Aggregation Database (gnomAD). The available evidence is insufficient to determine the role of this variant in disease conclusively. Therefore, this variant is classified as a Variant of Uncertain Significance.

Labcorp Genetics (formerly Invitae), Labcorp
Classification: Uncertain significance for Long QT syndrome. Last evaluated: 2022-09-27. Review status: criteria provided, single submitter. Criteria: Invitae Variant Classification Sherloc (09022015). Collection method: clinical testing. Allele origin: germline.
Comment: This variant has not been reported in the literature in individuals affected with KCNH2-related conditions. Algorithms developed to predict the effect of missense changes on protein structure and function (SIFT, PolyPhen-2, Align-GVGD) all suggest that this variant is likely to be tolerated. In summary, the available evidence is currently insufficient to determine the role of this variant in disease. Therefore, it has been classified as a Variant of Uncertain Significance. This variant is not present in population databases (gnomAD no frequency). This sequence change replaces arginine, which is basic and polar, with proline, which is neutral and non-polar, at codon 922 of the KCNH2 protein (p.Arg922Pro).